The following is an entry in ClinVar:

ClinVar aggregate classification (germline): Uncertain significance. Review status: criteria provided, multiple submitters, no conflicts (2 of 4 stars). 3 submissions from 3 submitters: Uncertain significance (3). Last evaluated 2024-12-21.

Conditions:
Inborn genetic diseases. Identifiers: MedGen C0950123, MeSH D030342.
Fanconi anemia (FA). Also called: Fanconi's anemia. Identifiers: Orphanet 84, MedGen C0015625, MeSH D005199, MONDO:0019391.

Submissions (3):

Ambry Genetics
Classification: Uncertain significance for Inborn genetic diseases. Last evaluated: 2024-12-21. Review status: criteria provided, single submitter. Criteria: Ambry Variant Classification Scheme 2023. Collection method: clinical testing. Allele origin: germline.
Comment: The p.T1249K variant (also known as c.3746C>A), located in coding exon 14 of the FANCM gene, results from a C to A substitution at nucleotide position 3746. The threonine at codon 1249 is replaced by lysine, an amino acid with similar properties. This amino acid position is conserved. In addition, this alteration is predicted to be tolerated by in silico analysis. Based on the available evidence, the clinical significance of this variant remains unclear.

Labcorp Genetics (formerly Invitae), Labcorp
Classification: Uncertain significance for Fanconi anemia. Last evaluated: 2024-10-20. Review status: criteria provided, single submitter. Criteria: Invitae Variant Classification Sherloc (09022015). Collection method: clinical testing. Allele origin: germline.
Comment: This sequence change replaces threonine, which is neutral and polar, with lysine, which is basic and polar, at codon 1249 of the FANCM protein (p.Thr1249Lys). This variant is present in population databases (rs768667842, gnomAD no frequency). This variant has not been reported in the literature in individuals affected with FANCM-related conditions. ClinVar contains an entry for this variant (Variation ID: 648868). An algorithm developed to predict the effect of missense changes on protein structure and function (PolyPhen-2) suggests that this variant is likely to be tolerated. In summary, the available evidence is currently insufficient to determine the role of this variant in disease. Therefore, it has been classified as a Variant of Uncertain Significance.

Quest Diagnostics Nichols Institute San Juan Capistrano
Classification: Uncertain significance. Last evaluated: 2023-02-03. Review status: criteria provided, single submitter. Criteria: Quest Diagnostics criteria. Collection method: clinical testing. Allele origin: unknown.
Comment: The variant has not been reported in the published literature. The frequency of this variant in the general population, 0.0000041 (1/244790 chromosomes), is uninformative in assessment of its pathogenicity. Analysis of this variant using bioinformatics tools for the prediction of the effect of amino acid changes on protein structure and function yielded predictions that this variant is benign. Based on the available information, we are unable to determine the clinical significance of this variant.

NM_020937.4(FANCM):c.3746C>A (p.Thr1249Lys)

Gene: FANCM (FA complementation group M; plus strand). Cytogenetic location: 14q21.2.
Variant type: single nucleotide variant.
Coding change: c.3746C>A on transcript NM_020937.4 (MANE Select); coding-DNA position 3746, C replaced by A.
Protein change: p.Thr1249Lys; replaces threonine 1249 with lysine.
Molecular consequence: missense variant.
Genome position (GRCh38, 1-based): chr14:45,176,500, C>A. VCF-style: chr14-45176500-C-A. GRCh37 (hg19) VCF-style: chr14-45645703-C-A.
Other names: c.3746C>A (LRG_502t1, NM_020937.3); c.3668C>A, p.Thr1223Lys (NM_001308133.2); short protein forms T1223K, T1249K.
Identifiers: ClinVar variation 648868 (VCV000648868.10), dbSNP rs768667842, ClinGen allele CA7169563.
Genomic context (GRCh38, chr14:45,176,500, plus strand): 5'-CTGTTACCTTTGATTTAGGATTCTGTAGTCCAGATTCTGATGATGAAATATTGGAACATA[C>A]ATCAGATAGCAATAGACCTCTAGATGATCTATATGGAAGGTATTTGGAAATTAAGGAGAT-3'
Protein context (NP_065988.1, residues 1239-1259): PDSDDEILEH[Thr1249Lys]SDSNRPLDDL